The following is an entry in ClinVar:

ClinVar aggregate classification (germline): Uncertain significance (1 of 4 stars; one submission).

Submission:

GeneDx
Classification: Uncertain significance. Last evaluated: 2025-08-09. Review status: criteria provided, single submitter. Criteria: GeneDx Variant Classification Process June 2021. Collection method: clinical testing. Allele origin: germline. Affected: yes.
Comment: Not observed at significant frequency in large population cohorts (gnomAD); In silico analysis suggests that this missense variant does not alter protein structure/function; Has not been previously published as pathogenic or benign to our knowledge

NM_015335.5(MED13L):c.6544A>G (p.Asn2182Asp)

Gene: MED13L (mediator complex subunit 13L; minus strand). Cytogenetic location: 12q24.21.
Variant type: single nucleotide variant.
Coding change: c.6544A>G on transcript NM_015335.5 (MANE Select); coding-DNA position 6544, A replaced by G.
Protein change: p.Asn2182Asp; replaces asparagine 2182 with aspartic acid.
Molecular consequence: missense variant.
Genome position (GRCh38, 1-based): chr12:115,961,355, T>C on the plus strand (A>G on the coding strand, the complement: MED13L is on the minus strand). VCF-style: chr12-115961355-T-C. GRCh37 (hg19) VCF-style: chr12-116399160-T-C.
Other names: short protein forms N2182D.
Identifiers: ClinVar variation 4795692 (VCV004795692.1).